The following is an entry in ClinVar:

ClinVar aggregate classification (germline): Uncertain significance. Review status: criteria provided, multiple submitters, no conflicts (2 of 4 stars). 3 submissions from 3 submitters: Uncertain significance (2). 1 of the submissions does not count toward it. Last evaluated 2025-01-13.

Conditions:
Inborn genetic diseases. Identifiers: MedGen C0950123, MeSH D030342.
Usher syndrome type 1 (USH1). Also called: RETINITIS PIGMENTOSA AND CONGENITAL DEAFNESS. Identifiers: Orphanet 231169, Orphanet 886, MedGen C1568247, MONDO:0010168, OMIM 276900.

Allele frequency attached by ClinVar (database versions not stated): TOPMed 0.00004; gnomAD exomes 0.00004 and 0.00003; gnomAD 0.00003; ExAC 0.00008.
gnomAD v4.1: 45 of 1,613,142 alleles (0.0028%); highest among the groups gnomAD compares: Non-Finnish European, 0.0036%; no homozygotes.

Submissions (3):

Labcorp Genetics (formerly Invitae), Labcorp
Classification: Uncertain significance. Last evaluated: 2025-01-13. Review status: criteria provided, single submitter. Criteria: Invitae Variant Classification Sherloc (09022015). Collection method: clinical testing. Allele origin: germline.
Comment: This sequence change replaces glutamic acid, which is acidic and polar, with lysine, which is basic and polar, at codon 3176 of the CDH23 protein (p.Glu3176Lys). This variant is present in population databases (rs771915739, gnomAD 0.009%). This variant has not been reported in the literature in individuals affected with CDH23-related conditions. ClinVar contains an entry for this variant (Variation ID: 1055713). Invitae Evidence Modeling of protein sequence and biophysical properties (such as structural, functional, and spatial information, amino acid conservation, physicochemical variation, residue mobility, and thermodynamic stability) has been performed for this missense variant. However, the output from this modeling did not meet the statistical confidence thresholds required to predict the impact of this variant on CDH23 protein function. In summary, the available evidence is currently insufficient to determine the role of this variant in disease. Therefore, it has been classified as a Variant of Uncertain Significance.

Ambry Genetics
Classification: Uncertain significance for Inborn genetic diseases. Last evaluated: 2022-11-03. Review status: criteria provided, single submitter. Criteria: Ambry Variant Classification Scheme 2023. Collection method: clinical testing. Allele origin: germline.

Natera, Inc.
Classification: Uncertain significance for Usher syndrome type 1. Last evaluated: 2020-06-15. Review status: no assertion criteria provided. Collection method: clinical testing. Allele origin: germline. Not counted in ClinVar's aggregate classification.

NM_022124.6(CDH23):c.9526G>A (p.Glu3176Lys)

Gene: CDH23 (cadherin related 23; plus strand). Cytogenetic location: 10q22.1.
Variant type: single nucleotide variant.
Coding change: c.9526G>A on transcript NM_022124.6 (MANE Select); coding-DNA position 9526, G replaced by A.
Protein change: p.Glu3176Lys; replaces glutamic acid 3176 with lysine.
Molecular consequence: missense variant.
Genome position (GRCh38, 1-based): chr10:71,812,783, G>A. VCF-style: chr10-71812783-G-A. GRCh37 (hg19) VCF-style: chr10-73572540-G-A.
Other names: c.217G>A, p.Glu73Lys (NM_001171936.1, NM_001171935.1); c.9526G>A (NM_022124.5); c.2806G>A, p.Glu936Lys (NM_001171933.1, NM_001171934.1); short protein forms E3176K, E73K, E936K.
Identifiers: ClinVar variation 1055713 (VCV001055713.6), dbSNP rs771915739, ClinGen allele CA5547122.